The following is an entry in ClinVar:

ClinVar aggregate classification (germline): Pathogenic (1 of 4 stars; one submission).

Conditions:
Leber congenital amaurosis 2 (LCA2). Also called: Autosomal Recessive RPE65-Related Retinal Degeneration; AMAUROSIS CONGENITA OF LEBER II. Identifiers: Orphanet 65, MedGen C1859844, MONDO:0008765, OMIM 204100. Disease mechanism: loss of function.
Retinitis pigmentosa 20 (RP20). Identifiers: Orphanet 791, MedGen C3151086, MONDO:0013425, OMIM 613794.

gnomAD v4.1: 1 of 1,613,600 alleles (0.000062%); highest among the groups gnomAD compares: Non-Finnish European, 0.000085%; no homozygotes.

Submission:

Labcorp Genetics (formerly Invitae), Labcorp
Classification: Pathogenic for Leber congenital amaurosis 2; Retinitis pigmentosa 20. Last evaluated: 2026-01-01. Review status: criteria provided, single submitter. Criteria: Invitae Variant Classification Sherloc (09022015). Collection method: clinical testing. Allele origin: germline.
Comment: This sequence change affects a donor splice site in intron 11 of the RPE65 gene. RNA analysis indicates that disruption of this splice site induces altered splicing and may result in an absent or altered protein product. This variant is not present in population databases (gnomAD no frequency). Disruption of this splice site has been observed in individual(s) with Leber congenital amaurosis (PMID: 25383945). In at least one individual the data is consistent with being in trans (on the opposite chromosome) from a pathogenic variant. Studies have shown that disruption of this splice site results in activation of a cryptic splice site, and produces a non-functional protein and/or introduces a premature termination codon (PMID: 25383945). For these reasons, this variant has been classified as Pathogenic.

Literature cited by the submitters: PubMed 25383945.

NM_000329.3(RPE65):c.1243+2T>C

Gene: RPE65 (retinoid isomerohydrolase RPE65; minus strand). Cytogenetic location: 1p31.3.
Variant type: single nucleotide variant.
Coding change: c.1243+2T>C on transcript NM_000329.3 (MANE Select); the canonical splice donor site of the intron after coding-DNA position 1243, T replaced by C.
Molecular consequence: splice donor variant.
Genome position (GRCh38, 1-based): chr1:68,431,469, A>G on the plus strand (T>C on the coding strand, the complement: RPE65 is on the minus strand). VCF-style: chr1-68431469-A-G. GRCh37 (hg19) VCF-style: chr1-68897152-A-G.
Other names: c.967+2T>C (NM_001406857.1, NM_001406856.1); c.1135+2T>C (NM_001406853.1).
Identifiers: ClinVar variation 4786436 (VCV004786436.1).